The following is an entry in ClinVar:

NM_032043.3(BRIP1):c.2423G>T (p.Arg808Ile)

Gene: BRIP1 (BRCA1 interacting DNA helicase 1; minus strand). Cytogenetic location: 17q23.2.
Variant type: single nucleotide variant.
Coding change: c.2423G>T on transcript NM_032043.3 (MANE Select); coding-DNA position 2423, G replaced by T.
Protein change: p.Arg808Ile; replaces arginine 808 with isoleucine.
Molecular consequence: missense variant.
Genome position (GRCh38, 1-based): chr17:61,716,020, C>A on the plus strand (G>T on the coding strand, the complement: BRIP1 is on the minus strand). VCF-style: chr17-61716020-C-A. GRCh37 (hg19) VCF-style: chr17-59793381-C-A.
Other names: short protein forms R808I.
Identifiers: ClinVar variation 5033433 (VCV005033433.1).

ClinVar aggregate classification (germline): Uncertain significance (1 of 4 stars; one submission).

Conditions:
Hereditary cancer-predisposing syndrome. Also called: Neoplastic Syndromes, Hereditary; Tumor predisposition; Hereditary neoplastic syndrome; Hereditary Cancer Syndrome. Identifiers: Orphanet 140162, MedGen C0027672, MeSH D009386, MONDO:0015356.

Submission:

Ambry Genetics
Classification: Uncertain significance for Hereditary cancer-predisposing syndrome. Last evaluated: 2026-07-22. Review status: criteria provided, single submitter. Criteria: Ambry Variant Classification Scheme 2023. Collection method: clinical testing. Allele origin: germline.
Comment: The p.R808I variant (also known as c.2423G>T), located in coding exon 16 of the BRIP1 gene, results from a G to T substitution at nucleotide position 2423. The arginine at codon 808 is replaced by isoleucine, an amino acid with similar properties. This amino acid position is highly conserved in available vertebrate species. In addition, this alteration is predicted to be deleterious by in silico analysis. Based on the available evidence, the clinical significance of this variant remains unclear.